The following is an entry in ClinVar:

NM_000321.3(RB1):c.-46C>T

Gene: RB1 (RB transcriptional corepressor 1; plus strand). Cytogenetic location: 13q14.2.
Variant type: single nucleotide variant.
Coding change: c.-46C>T on transcript NM_000321.3 (MANE Select); 46 bases upstream of the start codon, C replaced by T.
Molecular consequence: 5 prime UTR variant.
Genome position (GRCh38, 1-based): chr13:48,303,867, C>T. VCF-style: chr13-48303867-C-T. GRCh37 (hg19) VCF-style: chr13-48878003-C-T.
Other names: c.-46C>T (NM_001407165.1, NM_001407166.1, NM_001407167.1).
Identifiers: ClinVar variation 4727126 (VCV004727126.1).

ClinVar aggregate classification (germline): Uncertain significance (1 of 4 stars; one submission).

Conditions:
Retinoblastoma (RB1). Also called: RETINOBLASTOMA, SOMATIC. Identifiers: Orphanet 790, MedGen C0035335, MeSH D012175, MONDO:0008380, OMIM 180200, HP:0009919. Disease mechanism: loss of function. Inheritance: Both sporadic and heritable forms are tested..

Submission:

Labcorp Genetics (formerly Invitae), Labcorp
Classification: Uncertain significance for Retinoblastoma. Last evaluated: 2025-12-17. Review status: criteria provided, single submitter. Criteria: Invitae Variant Classification Sherloc (09022015). Collection method: clinical testing. Allele origin: germline.
Comment: This variant occurs in a non-coding region of the RB1 gene. It does not change the encoded amino acid sequence of the RB1 protein. This variant is not present in population databases (gnomAD no frequency). This variant has not been reported in the literature in individuals affected with RB1-related conditions. In summary, the available evidence is currently insufficient to determine the role of this variant in disease. Therefore, it has been classified as a Variant of Uncertain Significance.